The following is an entry in ClinVar:

ClinVar aggregate classification (germline): Uncertain significance (1 of 4 stars; one submission).

Allele frequency attached by ClinVar (database versions not stated): TOPMed below 0.00001; gnomAD 0.00001.
gnomAD v4.1: 11 of 1,613,780 alleles (0.00068%); highest among the groups gnomAD compares: Middle Eastern, 0.016%; no homozygotes.

Submission:

Ambry Genetics
Classification: Uncertain significance. Last evaluated: 2024-07-13. Review status: criteria provided, single submitter. Criteria: Ambry Variant Classification Scheme 2023. Collection method: clinical testing. Allele origin: germline.
Comment: The p.R957W variant (also known as c.2869C>T), located in coding exon 25 of the KIF1B gene, results from a C to T substitution at nucleotide position 2869. The arginine at codon 957 is replaced by tryptophan, an amino acid with dissimilar properties. This amino acid position is conserved. In addition, the in silico prediction for this alteration is inconclusive. Since supporting evidence is limited at this time, the clinical significance of this alteration remains unclear.

NM_001365951.3(KIF1B):c.3007C>T (p.Arg1003Trp)

Gene: KIF1B (kinesin family member 1B; plus strand). Cytogenetic location: 1p36.22.
Variant type: single nucleotide variant.
Coding change: c.3007C>T on transcript NM_001365951.3 (MANE Select); coding-DNA position 3007, C replaced by T.
Protein change: p.Arg1003Trp; replaces arginine 1003 with tryptophan.
Molecular consequence: missense variant.
Genome position (GRCh38, 1-based): chr1:10,334,602, C>T. VCF-style: chr1-10334602-C-T. GRCh37 (hg19) VCF-style: chr1-10394660-C-T.
Other names: c.3007C>T, p.Arg1003Trp (NM_001365952.1); c.2869C>T, p.Arg957Trp (NM_015074.3); short protein forms R957W, R1003W.
Identifiers: ClinVar variation 1797019 (VCV001797019.3), dbSNP rs965146326, ClinGen allele CA17840430.